The following is an entry in ClinVar:

NM_001372044.2(SHANK3):c.1421_1431del (p.Gln474fs)

Gene: SHANK3 (SH3 and multiple ankyrin repeat domains 3; plus strand). Cytogenetic location: 22q13.33.
Variant type: Deletion.
Coding change: c.1421_1431del on transcript NM_001372044.2 (MANE Select); coding-DNA positions 1421 to 1431, 11 bases deleted (AGCTGCTGCTC).
Protein change: p.Gln474fs; shifts the reading frame from glutamine 474.
Molecular consequence: frameshift variant.
Genome position (GRCh38, 1-based): chr22:50,694,940-50,694,950, AGCTGCTGCTC deleted; deleting any 11 consecutive bases within chr22:50,694,939-50,694,950 gives the same sequence; the c. name uses the placement nearest the transcript's 3' end. VCF-style (leftmost placement, unchanged base first): chr22-50694938-CCAGCTGCTGCT-C. GRCh37 (hg19) VCF-style: chr22-51133366-CCAGCTGCTGCT-C.
Other names: c.1196_1206del (NM_033517.1); short protein forms Q474fs.
Identifiers: ClinVar variation 3907789 (VCV003907789.1).
Genomic context (GRCh38, chr22:50,694,938, plus strand): 5'-CCTGAAGGGGGAGGCACAGCCAGCAGCTTCTCCTGGACCCTCGCTGAGAAGCCTCCCCCA[CCAGCTGCTGCT>C]CCAGCGGCTGCAAGAGGAGAAAGATCGTGACCGGGATGCCGACCAGGAGAGCAACATCAG-3'

ClinVar aggregate classification (germline): Uncertain significance (1 of 4 stars; one submission).

Submission:

GeneDx
Classification: Uncertain significance. Last evaluated: 2024-12-26. Review status: criteria provided, single submitter. Criteria: GeneDx Variant Classification Process June 2021. Collection method: clinical testing. Allele origin: germline. Affected: yes.
Comment: Not observed at significant frequency in large population cohorts (gnomAD); Loss-of-function variant in the 5' region of the gene where loss-of-function has not been definitively established as a disease mechanism (PMID: 28179641); Has not been previously published as pathogenic or benign to our knowledge; This variant is associated with the following publications: (PMID: 28179641)